The following is an entry in ClinVar:

NM_001267550.2(TTN):c.63269A>T (p.Tyr21090Phe)

Genes: TTN (titin; minus strand), TTN-AS1 (TTN antisense RNA 1; plus strand). Cytogenetic location: 2q31.2.
Variant type: single nucleotide variant.
Coding change: c.63269A>T on transcript NM_001267550.2 (MANE Select); coding-DNA position 63269, A replaced by T.
Protein change: p.Tyr21090Phe; replaces tyrosine 21090 with phenylalanine.
Molecular consequence: missense variant.
Genome position (GRCh38, 1-based): chr2:178,588,138, T>A on the plus strand (A>T on the coding strand, the complement: TTN is on the minus strand). VCF-style: chr2-178588138-T-A. GRCh37 (hg19) VCF-style: chr2-179452865-T-A.
Other names: c.55565A>T, p.Tyr18522Phe (NM_133378.4); c.58346A>T, p.Tyr19449Phe (NM_001256850.1); c.36074A>T, p.Tyr12025Phe (NM_003319.4); c.36449A>T, p.Tyr12150Phe (NM_133432.3); c.36650A>T, p.Tyr12217Phe (NM_133437.4); short protein forms Y18522F, Y21090F, Y19449F, Y12150F, Y12025F, Y12217F.
Identifiers: ClinVar variation 504542 (VCV000504542.9), dbSNP rs377480514, ClinGen allele CA1992118.

ClinVar aggregate classification (germline): Conflicting classifications of pathogenicity. Review status: criteria provided, conflicting classifications (1 of 4 stars). 5 submissions from 5 submitters: Uncertain significance (4); Likely benign (1). Last evaluated 2025-04-09.

Conditions:
Autosomal recessive limb-girdle muscular dystrophy type 2J (LGMDR10). Also called: MUSCULAR DYSTROPHY, LIMB-GIRDLE, AUTOSOMAL RECESSIVE 10; Limb-girdle muscular dystrophy, type 2J. Identifiers: Orphanet 140922, MedGen C1837342, MONDO:0012127, OMIM 608807.
Hypertrophic cardiomyopathy 9. Also called: Familial hypertrophic cardiomyopathy 9. Identifiers: MedGen C1861065, MONDO:0013412, OMIM 613765.
Tibial muscular dystrophy (TMD). Also called: Udd Distal Myopathy – Tibial Muscular Dystrophy; Tibial muscular dystrophy, tardive; UDD MYOPATHY. Identifiers: Orphanet 609, MedGen C1838244, MONDO:0010870, OMIM 600334.
Dilated cardiomyopathy 1G (CMD1G). Identifiers: Orphanet 154, MedGen C1858763, MONDO:0011400, OMIM 604145.
Early-onset myopathy with fatal cardiomyopathy (CMYO5). Also called: Salih Myopathy; CONGENITAL MYOPATHY 5 WITH CARDIOMYOPATHY. Identifiers: Orphanet 289377, MedGen C2673677, MONDO:0012714, OMIM 611705. Disease mechanism: loss of function.
Myopathy, myofibrillar, 9, with early respiratory failure (MFM9). Also called: MYOPATHY, PROXIMAL, WITH EARLY RESPIRATORY MUSCLE INVOLVEMENT; Myopathy, distal, with early respiratory failure, autosomal dominant; Hereditary myopathy with early respiratory failure; EDSTROM MYOPATHY. Identifiers: Orphanet 178464, Orphanet 34521, MedGen C1863599, MONDO:0011362, OMIM 603689.

Allele frequency attached by ClinVar (database versions not stated): TOPMed 0.00002; ESP Exome Variant Server 0.00008.
gnomAD v4.1: 21 of 1,611,608 alleles (0.0013%); highest among the groups gnomAD compares: Non-Finnish European, 0.0018%; no homozygotes.

Submissions (5):

Molecular Diagnostic Laboratory for Inherited Cardiovascular Disease, Montreal Heart Institute
Classification: Likely benign. Last evaluated: 2025-04-09. Review status: criteria provided, single submitter. Criteria: ACMG Guidelines, 2015. Collection method: clinical testing. Allele origin: germline. Affected: no.

Revvity Omics, Revvity
Classification: Uncertain significance. Last evaluated: 2024-12-03. Review status: criteria provided, single submitter. Criteria: ACMG Guidelines, 2015. Collection method: clinical testing. Allele origin: germline.

Mayo Clinic Laboratories, Mayo Clinic
Classification: Uncertain significance. Last evaluated: 2022-03-17. Review status: criteria provided, single submitter. Criteria: ACMG Guidelines, 2015. Collection method: clinical testing. Allele origin: germline. Observed: 2 variant alleles.
Comment: BP4, PM2

Fulgent Genetics
Classification: Uncertain significance for Tibial muscular dystrophy; Myopathy, myofibrillar, 9, with early respiratory failure; Dilated cardiomyopathy 1G; Autosomal recessive limb-girdle muscular dystrophy type 2J; Early-onset myopathy with fatal cardiomyopathy; Hypertrophic cardiomyopathy 9. Last evaluated: 2018-10-31. Review status: criteria provided, single submitter. Criteria: ACMG Guidelines, 2015. Collection method: clinical testing. Allele origin: unknown.

Laboratory for Molecular Medicine, Mass General Brigham Personalized Medicine
Classification: Uncertain significance. Last evaluated: 2016-07-18. Review status: criteria provided, single submitter. Criteria: LMM Criteria. Collection method: clinical testing. Allele origin: germline. Observed: 2 variant alleles.
Comment: The p.Tyr18522Phe variant in TTN has not been previously reported in individuals with cardiomyopathy, but has been identified in 2/66068 European chromosomes by the Exome Aggregation Consortium (ExAC; dbSNP r s377480514). Computational prediction tools and conservation analysis suggest th at the p.Tyr18522Phe variant may impact the protein, though this information is not predictive enough to determine pathogenicity. In summary, the clinical signi ficance of the p.Tyr18522Phe variant is uncertain.